The following is an entry in ClinVar:

NM_201596.3(CACNB2):c.1207G>A (p.Val403Ile)

Gene: CACNB2 (calcium voltage-gated channel auxiliary subunit beta 2; plus strand). Cytogenetic location: 10p12.31.
Variant type: single nucleotide variant.
Coding change: c.1207G>A on transcript NM_201596.3 (MANE Select); coding-DNA position 1207, G replaced by A.
Protein change: p.Val403Ile; replaces valine 403 with isoleucine.
Molecular consequence: missense variant.
Genome position (GRCh38, 1-based): chr10:18,536,101, G>A. VCF-style: chr10-18536101-G-A. GRCh37 (hg19) VCF-style: chr10-18825030-G-A.
Other names: c.1042G>A, p.Val348Ile (NM_000724.4); c.1009G>A, p.Val337Ile (NM_001167945.2); c.928G>A, p.Val310Ile (NM_001330060.2); c.1063G>A, p.Val355Ile (NM_201570.3); c.1123G>A, p.Val375Ile (NM_201571.4); c.1051G>A, p.Val351Ile (NM_201572.4); c.1045G>A, p.Val349Ile (NM_201590.3); c.1093G>A, p.Val365Ile (NM_201593.3); and 1 more; short protein forms V349I, V403I, V337I, V348I, V375I, V351I, V355I, V310I.
Identifiers: ClinVar variation 575314 (VCV000575314.9), dbSNP rs752546853, ClinGen allele CA5429950.
Genomic context (GRCh38, chr10:18,536,101, plus strand): 5'-TACCTTGTACTTTACCTGGATGTAGTTATTACTCTGTTAAAAACTCATTATCTTTTACAG[G>A]TTTTACAAAGGTTAATAAAATCTCGAGGGAAATCTCAAGCTAAACACCTCAACGTCCAGA-3'
Protein context (NP_963890.2, residues 393-413): IVYVKISSPK[Val403Ile]LQRLIKSRGK

ClinVar aggregate classification (germline): Uncertain significance. Review status: criteria provided, multiple submitters, no conflicts (2 of 4 stars). 2 submissions from 2 submitters: Uncertain significance (2). Last evaluated 2021-10-18.

Conditions:
Brugada syndrome 4 (BRGDA4). Identifiers: Orphanet 130, MedGen C2678477, MONDO:0012743, OMIM 611876.

Allele frequency attached by ClinVar (database versions not stated): ExAC 0.00002; gnomAD exomes 0.00001.
gnomAD v4.1: 8 of 1,580,830 alleles (0.00051%); highest among the groups gnomAD compares: Non-Finnish European, 0.0007%; no homozygotes.

Submissions (2):

Fulgent Genetics
Classification: Uncertain significance for Brugada syndrome 4. Last evaluated: 2021-10-18. Review status: criteria provided, single submitter. Criteria: ACMG Guidelines, 2015. Collection method: clinical testing. Allele origin: unknown.

Labcorp Genetics (formerly Invitae), Labcorp
Classification: Uncertain significance for Brugada syndrome 4. Last evaluated: 2018-01-16. Review status: criteria provided, single submitter. Criteria: Invitae Variant Classification Sherloc (09022015). Collection method: clinical testing. Allele origin: germline.
Comment: In summary, the available evidence is currently insufficient to determine the role of this variant in disease. Therefore, it has been classified as a Variant of Uncertain Significance. Algorithms developed to predict the effect of missense changes on protein structure and function (SIFT, PolyPhen-2, Align-GVGD) all suggest that this variant is likely to be disruptive, but these predictions have not been confirmed by published functional studies and their clinical significance is uncertain. This variant has not been reported in the literature in individuals with CACNB2-related disease. This variant is present in population databases (rs752546853, ExAC 0.002%). This sequence change replaces valine with isoleucine at codon 349 of the CACNB2 protein (p.Val349Ile). The valine residue is highly conserved and there is a small physicochemical difference between valine and isoleucine.